The following is an entry in ClinVar:

ClinVar aggregate classification (germline): Uncertain significance. Review status: reviewed by expert panel (3 of 4 stars). 2 submissions from 2 submitters: Uncertain significance (1). 1 of the submissions does not count toward it. Last evaluated 2025-01-15.

Conditions:
Hereditary thrombocytopenia and hematological cancer predisposition syndrome associated with RUNX1. Also called: PLATELET DISORDER, ASPIRIN-LIKE; Familial Platelet Disorder with Propensity to Acute Myelogenous Leukemia; Familial thrombocytopenia with propensity to acute myelogenous leukemia; RUNX1 Familial Platelet Disorder with Associated Myeloid Malignancies. Identifiers: Orphanet 71290, MedGen C1832388, MeSH C563324, MONDO:0100083, OMIM 601399.
Hereditary thrombocytopenia and hematologic cancer predisposition syndrome. Identifiers: Orphanet 71290, MedGen CN281654, MONDO:0011071.

Submissions (2):

ClinGen Myeloid Malignancy Variant Curation Expert Panel
Classification: Uncertain significance for Hereditary thrombocytopenia and hematologic cancer predisposition syndrome. Last evaluated: 2025-01-15. Review status: reviewed by expert panel. Criteria: ClinGen MyeloMalig ACMG Specifications v2. Collection method: curation. Allele origin: germline. Inheritance: Autosomal dominant inheritance.
Comment: NM_001754.5(RUNX1):c.1045T>C (p.Tyr349His) is a missense variant which is completely absent from all population databases with at least 20x coverage for RUNX1 (PM2_Supporting). In summary, the clinical significance of this variant is uncertain. ACMG/AMP criteria applied, as specified by the Myeloid Malignancy Variant Curation Expert Panel for RUNX1: PM2_supporting.

Labcorp Genetics (formerly Invitae), Labcorp
Classification: Uncertain significance for Hereditary thrombocytopenia and hematological cancer predisposition syndrome associated with RUNX1. Last evaluated: 2022-02-25. Review status: criteria provided, single submitter. Criteria: Invitae Variant Classification Sherloc (09022015). Collection method: clinical testing. Allele origin: germline. Not counted in ClinVar's aggregate classification.
Comment: In summary, the available evidence is currently insufficient to determine the role of this variant in disease. Therefore, it has been classified as a Variant of Uncertain Significance. Algorithms developed to predict the effect of missense changes on protein structure and function are either unavailable or do not agree on the potential impact of this missense change (SIFT: "Tolerated"; PolyPhen-2: "Probably Damaging"; Align-GVGD: "Class C0"). ClinVar contains an entry for this variant (Variation ID: 1055114). This variant has not been reported in the literature in individuals affected with RUNX1-related conditions. This variant is not present in population databases (gnomAD no frequency). This sequence change replaces tyrosine, which is neutral and polar, with histidine, which is basic and polar, at codon 349 of the RUNX1 protein (p.Tyr349His).

NM_001754.5(RUNX1):c.1045T>C (p.Tyr349His)

Gene: RUNX1 (RUNX family transcription factor 1; minus strand). Cytogenetic location: 21q22.12.
Variant type: single nucleotide variant.
Coding change: c.1045T>C on transcript NM_001754.5 (MANE Select); coding-DNA position 1045, T replaced by C.
Protein change: p.Tyr349His; replaces tyrosine 349 with histidine.
Molecular consequence: missense variant.
Genome position (GRCh38, 1-based): chr21:34,792,533, A>G on the plus strand (T>C on the coding strand, the complement: RUNX1 is on the minus strand). VCF-style: chr21-34792533-A-G. GRCh37 (hg19) VCF-style: chr21-36164830-A-G.
Other names: NM_001754.5(RUNX1):c.1045T>C; p.Tyr349His; c.964T>C, p.Tyr322His (NM_001001890.3); short protein forms Y322H, Y349H.
Identifiers: ClinVar variation 1055114 (VCV001055114.9), dbSNP rs2145877527, ClinGen allele CA410148360.
Genomic context (GRCh38, chr21:34,792,533, plus strand): 5'-ACATGCCGATGCCGATGCCCGAGGTGACCGGCGTCGGGGAGTAGGTGAAGGCGCCTGGAT[A>G]GTGCATGCGGGGGTCGGAGATGGAGGGCAGCGCGGGGAACTGGCGCGGGTCGCTGAACGC-3'
Protein context (NP_001745.2, residues 339-359): LPSISDPRMH[Tyr349His]PGAFTYSPTP